The following is an entry in ClinVar:

NM_001165963.4(SCN1A):c.3111C>A (p.Ser1037=)

Genes: SCN1A (sodium voltage-gated channel alpha subunit 1; minus strand), LOC102724058 (uncharacterized LOC102724058; plus strand). Cytogenetic location: 2q24.3.
Variant type: single nucleotide variant.
Coding change: c.3111C>A on transcript NM_001165963.4 (MANE Select); coding-DNA position 3111, C replaced by A.
Protein change: p.Ser1037=; no amino-acid change (serine 1037 retained).
Molecular consequence: synonymous variant. On other transcripts: non-coding transcript variant (2).
Genome position (GRCh38, 1-based): chr2:166,036,366, G>T on the plus strand (C>A on the coding strand, the complement: SCN1A is on the minus strand). VCF-style: chr2-166036366-G-T. GRCh37 (hg19) VCF-style: chr2-166892876-G-T.
Other names: c.3027C>A, p.Ser1009= (NM_001165964.3, NM_001353957.2, NM_001353958.2); c.3111C>A, p.Ser1037= (NM_001202435.3, NM_001353948.2); c.3078C>A, p.Ser1026= (NM_001353949.2, NM_001353950.2, NM_001353951.2 and 2 more transcripts); c.3075C>A, p.Ser1025= (NM_001353954.2, NM_001353955.2); c.3024C>A, p.Ser1008= (NM_001353960.2); c.669C>A, p.Ser223= (NM_001353961.2).
Identifiers: ClinVar variation 515323 (VCV000515323.9), dbSNP rs1204620691, ClinGen allele CA429900758.

ClinVar aggregate classification (germline): Likely benign. Review status: criteria provided, multiple submitters, no conflicts (2 of 4 stars). 2 submissions from 2 submitters: Likely benign (2). Last evaluated 2024-03-02.

Conditions:
Early-infantile DEE. Also called: Early infantile epileptic encephalopathy; Ohtahara syndrome; Early infantile epileptic encephalopathy with suppression bursts. Identifiers: Orphanet 1934, MedGen C0393706, MONDO:0800491.

gnomAD v4.1: 2 of 1,606,136 alleles (0.00012%); highest among the groups gnomAD compares: South Asian, 0.0022%; no homozygotes.

Submissions (2):

Labcorp Genetics (formerly Invitae), Labcorp
Classification: Likely benign for Early-infantile DEE. Last evaluated: 2024-03-02. Review status: criteria provided, single submitter. Criteria: Invitae Variant Classification Sherloc (09022015). Collection method: clinical testing. Allele origin: germline.

GeneDx
Classification: Likely benign. Last evaluated: 2018-02-08. Review status: criteria provided, single submitter. Criteria: GeneDx Variant Classification (06012015). Collection method: clinical testing. Allele origin: germline. Affected: yes.
Comment: This variant is considered likely benign or benign based on one or more of the following criteria: it is a conservative change, it occurs at a poorly conserved position in the protein, it is predicted to be benign by multiple in silico algorithms, and/or has population frequency not consistent with disease.